The following is an entry in ClinVar:

ClinVar aggregate classification (germline): Pathogenic (1 of 4 stars; one submission).

Submission:

Genetic Services Laboratory, University of Chicago
Classification: Pathogenic. Last evaluated: 2018-06-04. Review status: criteria provided, single submitter. Criteria: ACMG Guidelines, 2015. Collection method: clinical testing. Allele origin: germline. Affected: yes.
Comment: DNA sequence analysis of the GPR143 gene demonstrated a two base pair deletion and one base pair insertion in exon 2, c.256_257delinsA. This pathogenic sequence change results in an amino acid frameshift and creates a premature stop codon 7 amino acids downstream of the mutation, p.Val86Argfs*8. This pathogenic sequence change is predicted to result in an abnormal transcript, which may be degraded, or may lead to the production of a truncated GPR143 protein with potentially abnormal function.

NM_000273.3(GPR143):c.256_257delinsA (p.Val86fs)

Gene: GPR143 (G protein-coupled receptor 143; minus strand). Cytogenetic location: Xp22.2.
Variant type: Indel.
Coding change: c.256_257delinsA on transcript NM_000273.3 (MANE Select); coding-DNA positions 256 to 257, GT replaced by A.
Protein change: p.Val86fs; shifts the reading frame from valine 86.
Molecular consequence: frameshift variant.
Genome position (GRCh38, 1-based): chrX:9,760,820-9,760,821, AC replaced by T on the plus strand (GT replaced by A on the coding strand, the reverse complement: GPR143 is on the minus strand). VCF-style: chrX-9760820-AC-T. GRCh37 (hg19) VCF-style: chrX-9728860-AC-T.
Other names: short protein forms V86fs.
Identifiers: ClinVar variation 1338413 (VCV001338413.4), dbSNP rs2146701042, ClinGen allele CA2573055423.